The following is an entry in ClinVar:

ClinVar aggregate classification (germline): Uncertain significance (1 of 4 stars; one submission).

Submission:

Labcorp Genetics (formerly Invitae), Labcorp
Classification: Uncertain significance. Last evaluated: 2024-02-02. Review status: criteria provided, single submitter. Criteria: Invitae Variant Classification Sherloc (09022015). Collection method: clinical testing. Allele origin: germline.
Comment: This sequence change replaces proline, which is neutral and non-polar, with alanine, which is neutral and non-polar, at codon 163 of the CHM protein (p.Pro163Ala). This variant is not present in population databases (gnomAD no frequency). This variant has not been reported in the literature in individuals affected with CHM-related conditions. An algorithm developed to predict the effect of missense changes on protein structure and function (PolyPhen-2) suggests that this variant is likely to be tolerated. In summary, the available evidence is currently insufficient to determine the role of this variant in disease. Therefore, it has been classified as a Variant of Uncertain Significance.

NM_000390.4(CHM):c.487C>G (p.Pro163Ala)

Genes: CHM (CHM Rab escort protein; minus strand), LOC129391306 (MPRA-validated peak7401 silencer; plus strand). Cytogenetic location: Xq21.2.
Variant type: single nucleotide variant.
Coding change: c.487C>G on transcript NM_000390.4 (MANE Select); coding-DNA position 487, C replaced by G.
Protein change: p.Pro163Ala; replaces proline 163 with alanine.
Molecular consequence: missense variant.
Genome position (GRCh38, 1-based): chrX:85,963,880, G>C on the plus strand (C>G on the coding strand, the complement: CHM is on the minus strand). VCF-style: chrX-85963880-G-C. GRCh37 (hg19) VCF-style: chrX-85218885-G-C.
Other names: c.43C>G, p.Pro15Ala (NM_001362517.1, NM_001362518.2, NM_001362519.1 and 1 more transcripts); short protein forms P163A, P15A.
Identifiers: ClinVar variation 3638237 (VCV003638237.2).